The following is an entry in ClinVar:

NM_005911.6(MAT2A):c.118G>T (p.Ala40Ser)

Genes: GGCX (gamma-glutamyl carboxylase; minus strand), MAT2A (methionine adenosyltransferase 2A; plus strand). Cytogenetic location: 2p11.2.
Variant type: single nucleotide variant.
Coding change: c.118G>T on transcript NM_005911.6 (MANE Select); coding-DNA position 118, G replaced by T.
Protein change: p.Ala40Ser; replaces alanine 40 with serine.
Molecular consequence: missense variant.
Genome position (GRCh38, 1-based): chr2:85,541,109, G>T. VCF-style: chr2-85541109-G-T. GRCh37 (hg19) VCF-style: chr2-85768232-G-T.
Other names: short protein forms A40S.
Identifiers: ClinVar variation 3707004 (VCV003707004.2).

ClinVar aggregate classification (germline): Uncertain significance (1 of 4 stars; one submission).

Conditions:
Familial thoracic aortic aneurysm and aortic dissection (TAAD). Also called: Thoracic aortic aneurysms and dissections. Identifiers: Orphanet 91387, MedGen C4707243, MONDO:0019625.

gnomAD v4.1: 7 of 1,613,624 alleles (0.00043%); highest among the groups gnomAD compares: Non-Finnish European, 0.00059%; no homozygotes.

Submission:

Labcorp Genetics (formerly Invitae), Labcorp
Classification: Uncertain significance for Familial thoracic aortic aneurysm and aortic dissection. Last evaluated: 2025-01-26. Review status: criteria provided, single submitter. Criteria: Invitae Variant Classification Sherloc (09022015). Collection method: clinical testing. Allele origin: germline.
Comment: This sequence change replaces alanine, which is neutral and non-polar, with serine, which is neutral and polar, at codon 40 of the MAT2A protein (p.Ala40Ser). This variant is not present in population databases (gnomAD no frequency). This variant has not been reported in the literature in individuals affected with MAT2A-related conditions. Invitae Evidence Modeling of protein sequence and biophysical properties (such as structural, functional, and spatial information, amino acid conservation, physicochemical variation, residue mobility, and thermodynamic stability) indicates that this missense variant is not expected to disrupt MAT2A protein function with a negative predictive value of 80%. In summary, the available evidence is currently insufficient to determine the role of this variant in disease. Therefore, it has been classified as a Variant of Uncertain Significance.